The following is an entry in ClinVar:

NM_181332.3(NLGN4X):c.1544A>G (p.Asn515Ser)

Gene: NLGN4X (neuroligin 4 X-linked; minus strand). Cytogenetic location: Xp22.32.
Variant type: single nucleotide variant.
Coding change: c.1544A>G on transcript NM_181332.3 (MANE Select); coding-DNA position 1544, A replaced by G.
Protein change: p.Asn515Ser; replaces asparagine 515 with serine.
Molecular consequence: missense variant.
Genome position (GRCh38, 1-based): chrX:5,903,134, T>C on the plus strand (A>G on the coding strand, the complement: NLGN4X is on the minus strand). VCF-style: chrX-5903134-T-C. GRCh37 (hg19) VCF-style: chrX-5821175-T-C.
Other names: c.1544A>G, p.Asn515Ser (NM_001282145.2, NM_001282146.2, NM_020742.4); short protein forms N515S.
Identifiers: ClinVar variation 599444 (VCV000599444.30), dbSNP rs138545443, ClinGen allele CA10341006.

ClinVar aggregate classification (germline): Likely benign. Review status: criteria provided, multiple submitters, no conflicts (2 of 4 stars). 2 submissions from 2 submitters: Likely benign (2). Last evaluated 2022-10-01.

Allele frequency attached by ClinVar (database versions not stated): gnomAD exomes 0.00009 and 0.00014; gnomAD 0.00010 and 0.00011; ExAC 0.00011; TOPMed 0.00011; ESP Exome Variant Server 0.00028.
gnomAD v4.1: 119 of 1,210,525 alleles (0.0098%); highest among the groups gnomAD compares: Non-Finnish European, 0.0042%; no homozygotes.

Submissions (2):

CeGaT Center for Human Genetics Tuebingen
Classification: Likely benign. Last evaluated: 2022-10-01. Review status: criteria provided, single submitter. Criteria: CeGaT Center For Human Genetics Tuebingen Variant Classification Criteria Version 2. Collection method: clinical testing. Allele origin: germline. Affected: yes. Observed: 1 variant allele.
Comment: NLGN4X: BS2

Institute for Genomic Medicine (IGM) Clinical Laboratory, Nationwide Children's Hospital
Classification: Likely benign. Last evaluated: 2017-08-22. Review status: criteria provided, single submitter. Criteria: ACMG Guidelines, 2015. Collection method: clinical testing. Allele origin: germline.
Comment: BS2, BP1.